The following is an entry in ClinVar:

NM_001350162.2(TEX15):c.4339del (p.Ser1447fs)

Gene: TEX15 (testis expressed 15, meiosis and synapsis associated; minus strand). Cytogenetic location: 8p12.
Variant type: Deletion.
Coding change: c.4339del on transcript NM_001350162.2 (MANE Select); coding-DNA position 4339, one base deleted (T; older notation c.4339delT).
Protein change: p.Ser1447fs; shifts the reading frame from serine 1447.
Molecular consequence: frameshift variant.
Genome position (GRCh38, 1-based): chr8:30,845,828, A deleted on the plus strand (T on the coding strand, the reverse complement: TEX15 is on the minus strand); the first of 5 consecutive A bases (chr8:30,845,828-30,845,832); deleting any one gives the same sequence. VCF-style (leftmost placement, unchanged base first): chr8-30845827-GA-G. GRCh37 (hg19) VCF-style: chr8-30703343-GA-G.
Other names: c.3190delT (NM_031271.3); short protein forms S1447fs.
Identifiers: ClinVar variation 4992737 (VCV004992737.1).

ClinVar aggregate classification (germline): Likely pathogenic (1 of 4 stars; one submission).

Conditions:
TEX15-related disorder. Also called: TEX15-related condition.

Submission:

PreventionGenetics, part of Exact Sciences
Classification: Likely pathogenic for TEX15-related condition. Last evaluated: 2025-12-09. Review status: criteria provided, single submitter. Criteria: ACMG Guidelines, 2015. Collection method: clinical testing. Allele origin: germline.
Comment: The TEX15 c.3190delT variant is predicted to result in a frameshift and premature protein termination (p.Ser1064Argfs*23). To our knowledge, this variant has not been reported in the literature or in a large population database (gnomAD), indicating this variant is rare. Frameshift variants in TEX15 are expected to be pathogenic. This variant is interpreted as likely pathogenic.